The following is an entry in ClinVar:

ClinVar aggregate classification (germline): Uncertain significance (1 of 4 stars; one submission).

Conditions:
Spermatogenic failure 18. Identifiers: MedGen C4539783, MONDO:0054615, OMIM 617576.
Ciliary dyskinesia, primary, 37 (CILD37). Also called: CILIARY DYSKINESIA, PRIMARY, 37, WITH OR WITHOUT SITUS INVERSUS. Identifiers: MedGen C4539798, MONDO:0033204, OMIM 617577.

Allele frequency attached by ClinVar (database versions not stated): ExAC 0.00001; gnomAD exomes 0.00001; TOPMed 0.00001; gnomAD 0.00002.
gnomAD v4.1: 11 of 1,611,960 alleles (0.00068%); highest among the groups gnomAD compares: Admixed American, 0.0033%; no homozygotes.

Submission:

Labcorp Genetics (formerly Invitae), Labcorp
Classification: Uncertain significance for Ciliary dyskinesia, primary, 37; Spermatogenic failure 18. Last evaluated: 2022-03-10. Review status: criteria provided, single submitter. Criteria: Invitae Variant Classification Sherloc (09022015). Collection method: clinical testing. Allele origin: germline.
Comment: This sequence change replaces serine, which is neutral and polar, with phenylalanine, which is neutral and non-polar, at codon 551 of the DNAH1 protein (p.Ser551Phe). This variant is present in population databases (rs748118922, gnomAD 0.009%). This variant has not been reported in the literature in individuals affected with DNAH1-related conditions. Algorithms developed to predict the effect of missense changes on protein structure and function are either unavailable or do not agree on the potential impact of this missense change (SIFT: "Deleterious"; PolyPhen-2: "Benign"; Align-GVGD: "Class C0"). In summary, the available evidence is currently insufficient to determine the role of this variant in disease. Therefore, it has been classified as a Variant of Uncertain Significance.

NM_015512.5(DNAH1):c.1652C>T (p.Ser551Phe)

Gene: DNAH1 (dynein axonemal heavy chain 1; plus strand). Cytogenetic location: 3p21.1.
Variant type: single nucleotide variant.
Coding change: c.1652C>T on transcript NM_015512.5 (MANE Select); coding-DNA position 1652, C replaced by T.
Protein change: p.Ser551Phe; replaces serine 551 with phenylalanine.
Molecular consequence: missense variant.
Genome position (GRCh38, 1-based): chr3:52,345,702, C>T. VCF-style: chr3-52345702-C-T. GRCh37 (hg19) VCF-style: chr3-52379718-C-T.
Other names: short protein forms S551F.
Identifiers: ClinVar variation 2142027 (VCV002142027.1), dbSNP rs748118922, ClinGen allele CA2433012.